The following is an entry in ClinVar:

NM_005188.4(CBL):c.913A>G (p.Ile305Val)

Gene: CBL (Cbl proto-oncogene; plus strand). Cytogenetic location: 11q23.3.
Variant type: single nucleotide variant.
Coding change: c.913A>G on transcript NM_005188.4 (MANE Select); coding-DNA position 913, A replaced by G.
Protein change: p.Ile305Val; replaces isoleucine 305 with valine.
Molecular consequence: missense variant.
Genome position (GRCh38, 1-based): chr11:119,276,040, A>G. VCF-style: chr11-119276040-A-G. GRCh37 (hg19) VCF-style: chr11-119146750-A-G.
Other names: short protein forms I305V.
Identifiers: ClinVar variation 2958279 (VCV002958279.8), dbSNP rs775764308, ClinGen allele CA6318386.

ClinVar aggregate classification (germline): Uncertain significance. Review status: criteria provided, multiple submitters, no conflicts (2 of 4 stars). 3 submissions from 3 submitters: Uncertain significance (3). Last evaluated 2025-12-01.

Conditions:
RASopathy. Also called: Noonan spectrum disorder; rasopathies. Identifiers: Orphanet 536391, MedGen C5555857, MONDO:0021060.

Allele frequency attached by ClinVar (database versions not stated): TOPMed below 0.00001; ExAC 0.00001; gnomAD exomes 0.00001.
gnomAD v4.1: 9 of 1,613,966 alleles (0.00056%); highest among the groups gnomAD compares: Admixed American, 0.0017%; no homozygotes.

Submissions (3):

CeGaT Center for Human Genetics Tuebingen
Classification: Uncertain significance. Last evaluated: 2025-12-01. Review status: criteria provided, single submitter. Criteria: CeGaT Center For Human Genetics Tuebingen Variant Classification Criteria Version 2. Collection method: clinical testing. Allele origin: germline. Affected: yes. Observed: 1 variant allele.

Labcorp Genetics (formerly Invitae), Labcorp
Classification: Uncertain significance for RASopathy. Last evaluated: 2025-10-28. Review status: criteria provided, single submitter. Criteria: Invitae Variant Classification Sherloc (09022015). Collection method: clinical testing. Allele origin: germline.
Comment: This sequence change replaces isoleucine, which is neutral and non-polar, with valine, which is neutral and non-polar, at codon 305 of the CBL protein (p.Ile305Val). This variant is present in population databases (rs775764308, gnomAD 0.004%). This missense change has been observed in individual(s) with clinical features of Noonan syndrome (PMID: 34918830). ClinVar contains an entry for this variant (Variation ID: 2958279). Invitae Evidence Modeling of protein sequence and biophysical properties (such as structural, functional, and spatial information, amino acid conservation, physicochemical variation, residue mobility, and thermodynamic stability) has been performed for this missense variant. However, the output from this modeling did not meet the statistical confidence thresholds required to predict the impact of this variant on CBL protein function. In summary, the available evidence is currently insufficient to determine the role of this variant in disease. Therefore, it has been classified as a Variant of Uncertain Significance.

Blueprint Genetics
Classification: Uncertain significance. Last evaluated: 2024-07-22. Review status: criteria provided, single submitter. Criteria: ACMG Guidelines, 2015. Collection method: clinical testing. Allele origin: germline.

Literature cited by the submitters: PubMed 34918830 (cited by Labcorp Genetics (formerly Invitae), Labcorp).